The following is an entry in ClinVar:

NM_000165.5(GJA1):c.246C>G (p.Ile82Met)

Gene: GJA1 (gap junction protein alpha 1; plus strand). Cytogenetic location: 6q22.31.
Variant type: single nucleotide variant.
Coding change: c.246C>G on transcript NM_000165.5 (MANE Select); coding-DNA position 246, C replaced by G.
Protein change: p.Ile82Met; replaces isoleucine 82 with methionine.
Molecular consequence: missense variant.
Genome position (GRCh38, 1-based): chr6:121,447,093, C>G. VCF-style: chr6-121447093-C-G. GRCh37 (hg19) VCF-style: chr6-121768239-C-G.
Other names: short protein forms I82M.
Identifiers: ClinVar variation 1492359 (VCV001492359.6), dbSNP rs1773901440, ClinGen allele CA365558386.
Genomic context (GRCh38, chr6:121,447,093, plus strand): 5'-AAATGTCTGCTATGACAAGTCTTTCCCAATCTCTCATGTGCGCTTCTGGGTCCTGCAGAT[C>G]ATATTTGTGTCTGTACCCACACTCTTGTACCTGGCTCATGTGTTCTATGTGATGCGAAAG-3'
Protein context (NP_000156.1, residues 72-92): ISHVRFWVLQ[Ile82Met]IFVSVPTLLY

ClinVar aggregate classification (germline): Likely pathogenic (1 of 4 stars; one submission).

Conditions:
Oculodentodigital dysplasia, autosomal recessive. Also called: OCULODENTOOSSEOUS DYSPLASIA, AUTOSOMAL RECESSIVE; ODDD, AUTOSOMAL RECESSIVE; ODOD, AUTOSOMAL RECESSIVE. Identifiers: Orphanet 2710, MedGen C2749477, MONDO:0009768, OMIM 257850.

Submission:

Labcorp Genetics (formerly Invitae), Labcorp
Classification: Likely pathogenic for Oculodentodigital dysplasia, autosomal recessive. Last evaluated: 2022-02-04. Review status: criteria provided, single submitter. Criteria: Invitae Variant Classification Sherloc (09022015). Collection method: clinical testing. Allele origin: germline.
Comment: Algorithms developed to predict the effect of missense changes on protein structure and function are either unavailable or do not agree on the potential impact of this missense change (SIFT: "Deleterious"; PolyPhen-2: "Possibly Damaging"; Align-GVGD: "Class C0"). This missense change has been observed in individual(s) with clinical features of autosomal dominant oculodentodigital dysplasia (Invitae). In at least one individual the variant was observed to be de novo. This variant is not present in population databases (gnomAD no frequency). This sequence change replaces isoleucine, which is neutral and non-polar, with methionine, which is neutral and non-polar, at codon 82 of the GJA1 protein (p.Ile82Met). In summary, the currently available evidence indicates that the variant is pathogenic, but additional data are needed to prove that conclusively. Therefore, this variant has been classified as Likely Pathogenic.